The following is an entry in ClinVar:

NM_001369.3(DNAH5):c.1382A>G (p.Gln461Arg)

Gene: DNAH5 (dynein axonemal heavy chain 5; minus strand). Cytogenetic location: 5p15.2.
Variant type: single nucleotide variant.
Coding change: c.1382A>G on transcript NM_001369.3 (MANE Select); coding-DNA position 1382, A replaced by G.
Protein change: p.Gln461Arg; replaces glutamine 461 with arginine.
Molecular consequence: missense variant.
Genome position (GRCh38, 1-based): chr5:13,913,897, T>C on the plus strand (A>G on the coding strand, the complement: DNAH5 is on the minus strand). VCF-style: chr5-13913897-T-C. GRCh37 (hg19) VCF-style: chr5-13914006-T-C.
Other names: short protein forms Q461R.
Identifiers: ClinVar variation 351212 (VCV000351212.17), dbSNP rs886060013, ClinGen allele CA10622781.

ClinVar aggregate classification (germline): Uncertain significance. Review status: criteria provided, multiple submitters, no conflicts (2 of 4 stars). 5 submissions from 5 submitters: Uncertain significance (4). 1 of the submissions does not count toward it. Last evaluated 2024-07-30.

Conditions:
Primary ciliary dyskinesia. Also called: Ciliary dyskinesia. Identifiers: Orphanet 244, MedGen C0008780, MONDO:0016575, HP:0012265.
Primary ciliary dyskinesia 3. Identifiers: Orphanet 244, MedGen C1837618, MONDO:0012085, OMIM 608644.

Allele frequency attached by ClinVar (database versions not stated): gnomAD exomes below 0.00001; TOPMed 0.00001; gnomAD 0.00002.
gnomAD v4.1: 19 of 1,613,508 alleles (0.0012%); highest among the groups gnomAD compares: Admixed American, 0.0017%; no homozygotes.

Submissions (5):

Blueprint Genetics
Classification: Uncertain significance. Last evaluated: 2024-07-30. Review status: criteria provided, single submitter. Criteria: ACMG Guidelines, 2015. Collection method: clinical testing. Allele origin: germline.

Ambry Genetics
Classification: Uncertain significance for Primary ciliary dyskinesia. Last evaluated: 2024-07-16. Review status: criteria provided, single submitter. Criteria: Ambry Variant Classification Scheme 2023. Collection method: clinical testing. Allele origin: germline.

Labcorp Genetics (formerly Invitae), Labcorp
Classification: Uncertain significance for Primary ciliary dyskinesia. Last evaluated: 2021-08-30. Review status: criteria provided, single submitter. Criteria: Invitae Variant Classification Sherloc (09022015). Collection method: clinical testing. Allele origin: germline.
Comment: This sequence change replaces glutamine with arginine at codon 461 of the DNAH5 protein (p.Gln461Arg). The glutamine residue is moderately conserved and there is a small physicochemical difference between glutamine and arginine. This variant is not present in population databases (ExAC no frequency). This variant has not been reported in the literature in individuals affected with DNAH5-related conditions. ClinVar contains an entry for this variant (Variation ID: 351212). Algorithms developed to predict the effect of missense changes on protein structure and function (SIFT, PolyPhen-2, Align-GVGD) all suggest that this variant is likely to be tolerated. In summary, the available evidence is currently insufficient to determine the role of this variant in disease. Therefore, it has been classified as a Variant of Uncertain Significance.

Illumina Laboratory Services, Illumina
Classification: Uncertain significance for Primary ciliary dyskinesia 3. Last evaluated: 2018-01-13. Review status: criteria provided, single submitter. Criteria: ICSL Variant Classification Criteria 13 December 2019. Collection method: clinical testing. Allele origin: germline.

Natera, Inc.
Classification: Uncertain significance for Primary ciliary dyskinesia. Last evaluated: 2020-02-21. Review status: no assertion criteria provided. Collection method: clinical testing. Allele origin: germline. Not counted in ClinVar's aggregate classification.